The following is an entry in ClinVar:

ClinVar aggregate classification (germline): Likely benign. Review status: criteria provided, single submitter (1 of 4 stars). 2 submissions from 2 submitters: Likely benign (1). 1 of the submissions does not count toward it. Last evaluated 2025-11-09.

Conditions:
BBS1-related disorder. Also called: BBS1-related condition.
Bardet-Biedl syndrome (BBS). Identifiers: Orphanet 110, MedGen C0752166, MONDO:0015229.

Allele frequency attached by ClinVar (database versions not stated): TOPMed 0.00001; gnomAD exomes 0.00002 and 0.00001; gnomAD 0.00005.

Submissions (2):

Labcorp Genetics (formerly Invitae), Labcorp
Classification: Likely benign for Bardet-Biedl syndrome. Last evaluated: 2025-11-09. Review status: criteria provided, single submitter. Criteria: Invitae Variant Classification Sherloc (09022015). Collection method: clinical testing. Allele origin: germline.

PreventionGenetics, part of Exact Sciences
Classification: Likely benign for BBS1-related condition. Last evaluated: 2021-01-08. Review status: no assertion criteria provided. Collection method: clinical testing. Allele origin: germline. Not counted in ClinVar's aggregate classification.
Comment: This variant is classified as likely benign based on ACMG/AMP sequence variant interpretation guidelines (Richards et al. 2015 PMID: 25741868, with internal and published modifications).

NM_024649.5(BBS1):c.1035C>T (p.Ala345=)

Genes: ZDHHC24 (zDHHC palmitoyltransferase 24; minus strand), BBS1 (Bardet-Biedl syndrome 1; plus strand). Cytogenetic location: 11q13.2.
Variant type: single nucleotide variant.
Coding change: c.1035C>T on transcript NM_024649.5 (MANE Select); coding-DNA position 1035, C replaced by T.
Protein change: p.Ala345=; no amino-acid change (alanine 345 retained).
Molecular consequence: synonymous variant. On other transcripts: intron variant (1).
Genome position (GRCh38, 1-based): chr11:66,523,807, C>T. VCF-style: chr11-66523807-C-T. GRCh37 (hg19) VCF-style: chr11-66291278-C-T.
Other names: c.*22-2341G>A (NM_001348571.2).
Identifiers: ClinVar variation 1086702 (VCV001086702.11), dbSNP rs779935398, ClinGen allele CA6123593.